The following is an entry in ClinVar:

NM_003255.5(TIMP2):c.231+8T>C

Gene: TIMP2 (TIMP metallopeptidase inhibitor 2; minus strand). Cytogenetic location: 17q25.3.
Variant type: single nucleotide variant.
Coding change: c.231+8T>C on transcript NM_003255.5 (MANE Select); 8 bases into the intron after coding-DNA position 231, T replaced by C.
Molecular consequence: intron variant.
Genome position (GRCh38, 1-based): chr17:78,873,811, A>G on the plus strand (T>C on the coding strand, the complement: TIMP2 is on the minus strand). VCF-style: chr17-78873811-A-G. GRCh37 (hg19) VCF-style: chr17-76869893-A-G.
Identifiers: ClinVar variation 3033608 (VCV003033608.2), dbSNP rs149597224, ClinGen allele CA8807740.
Genomic context (GRCh38, chr17:78,873,811, plus strand): 5'-CTCTGCCAACCCCAACACCCCACAGCTGTGCCCACAGTGCAGCCCGGGATGCCGGCAGCC[A>G]CTATTACCTTTATCTGCTTGATCTCATACTGGATCCTCTTGATAGGGTTGCCATAAATGT-3'

ClinVar aggregate classification (germline): Benign (0 of 4 stars; one submission).

Conditions:
TIMP2-related disorder. Also called: TIMP2-related condition.

Allele frequency attached by ClinVar (database versions not stated): gnomAD exomes 0.00037; ExAC 0.00119; gnomAD 0.00348; 1000 Genomes Project 0.00359; ESP Exome Variant Server 0.00369; 1000 Genomes Project 30x 0.00375; TOPMed 0.00400.
gnomAD v4.1: 1,085 of 1,610,330 alleles (0.067%); highest among the groups gnomAD compares: African/African-American, 1.3%; 5 homozygotes.

Submission:

PreventionGenetics, part of Exact Sciences
Classification: Benign for TIMP2-related condition. Last evaluated: 2019-02-18. Review status: no assertion criteria provided. Collection method: clinical testing. Allele origin: germline.
Comment: This variant is classified as benign based on ACMG/AMP sequence variant interpretation guidelines (Richards et al. 2015 PMID: 25741868, with internal and published modifications).